The following is an entry in ClinVar:

ClinVar aggregate classification (germline): Pathogenic/Likely pathogenic. Review status: criteria provided, multiple submitters, no conflicts (2 of 4 stars). 8 submissions from 8 submitters: Pathogenic (4); Likely pathogenic (2). 2 of the submissions do not count toward it. Last evaluated 2025-09-24.

Conditions:
Cardiovascular phenotype. Identifiers: MedGen CN230736.
Familial long QT syndrome (RWS). Also called: Congenital long QT syndrome; Romano-Ward syndrome; VENTRICULAR FIBRILLATION WITH PROLONGED QT INTERVAL. Identifiers: Orphanet 768, MedGen C1141890, MONDO:0019171.
Atrial fibrillation, familial, 3 (ATFB3). Identifiers: MedGen C1837014, MONDO:0011857, OMIM 607554.
Long QT syndrome 1 (LQT1). Identifiers: Orphanet 101016, Orphanet 768, MedGen C4551647, MONDO:0100316, OMIM 192500, MONDO:0008646.
Beckwith-Wiedemann syndrome (BWS). Also called: Exomphalos macroglossia gigantism syndrome; EMG SYNDROME. Identifiers: Orphanet 116, MedGen C0004903, MONDO:0007534, OMIM 130650.
Jervell and Lange-Nielsen syndrome 1 (JLNS1). Also called: CARDIOAUDITORY SYNDROME OF JERVELL AND LANGE-NIELSEN; DEAFNESS, CONGENITAL, AND FUNCTIONAL HEART DISEASE; PROLONGED QT INTERVAL IN EKG AND SUDDEN DEATH; SURDO-CARDIAC SYNDROME. Identifiers: Orphanet 768, Orphanet 90647, MedGen C4551509, MONDO:0024540, OMIM 220400.
Short QT syndrome type 2. Identifiers: Orphanet 51083, MedGen C1865019, MONDO:0012313, OMIM 609621.
Long QT syndrome (LQTS). Identifiers: MedGen C0023976, MeSH D008133, MONDO:0002442. Disease mechanism: loss of function. Inheritance: Various modes of inheritance.

Allele frequency attached by ClinVar (database versions not stated): gnomAD exomes below 0.00001.
gnomAD v4.1: 2 of 1,614,130 alleles (0.00012%); highest among the groups gnomAD compares: Non-Finnish European, 0.00017%; no homozygotes.

Submissions (8):

Labcorp Genetics (formerly Invitae), Labcorp
Classification: Pathogenic for Long QT syndrome. Last evaluated: 2025-09-24. Review status: criteria provided, single submitter. Criteria: Invitae Variant Classification Sherloc (09022015). Collection method: clinical testing. Allele origin: germline.
Comment: This sequence change replaces glycine, which is neutral and non-polar, with arginine, which is basic and polar, at codon 568 of the KCNQ1 protein (p.Gly568Arg). This variant is not present in population databases (gnomAD no frequency). This missense change has been observed in individuals with long QT syndrome (PMID: 22456477, 22949429, 22956155, 23392653). ClinVar contains an entry for this variant (Variation ID: 53009). Invitae Evidence Modeling of protein sequence and biophysical properties (such as structural, functional, and spatial information, amino acid conservation, physicochemical variation, residue mobility, and thermodynamic stability) indicates that this missense variant is expected to disrupt KCNQ1 protein function with a positive predictive value of 95%. This variant disrupts the p.Gly568 amino acid residue in KCNQ1. Other variant(s) that disrupt this residue have been observed in individuals with KCNQ1-related conditions (PMID: 12702160), which suggests that this may be a clinically significant amino acid residue. For these reasons, this variant has been classified as Pathogenic.

GeneDx
Classification: Pathogenic. Last evaluated: 2023-07-27. Review status: criteria provided, single submitter. Criteria: GeneDx Variant Classification Process June 2021. Collection method: clinical testing. Allele origin: germline. Affected: yes.
Comment: Not observed at significant frequency in large population cohorts (gnomAD); In silico analysis supports that this missense variant has a deleterious effect on protein structure/function; This variant is associated with the following publications: (PMID: 22956155, 21185501, 22949429, 25525159, 19841300, 15840476, 19716085, 23392653, 22581653, 27527004, 27041150, 25854863, 25929701, 25916402, 22885918, 22456477, 36136372, RidaM2023[Preprint])

Ambry Genetics
Classification: Pathogenic for Cardiovascular phenotype. Last evaluated: 2022-08-29. Review status: criteria provided, single submitter. Criteria: Ambry Variant Classification Scheme 2023. Collection method: clinical testing. Allele origin: germline.
Comment: The p.G568R pathogenic mutation (also known as c.1702G>A), located in coding exon 14 of the KCNQ1 gene, results from a G to A substitution at nucleotide position 1702. The glycine at codon 568 is replaced by arginine, an amino acid with dissimilar properties. This mutation has been reported in multiple individuals with long QT syndrome (LQTS) (Tester et al. Heart Rhythm. 2005 May;2(5):507-17; Kapplinger et al. Heart Rhythm. 2009 Sep;6(9):1297-303). In addition, this mutation was seen in a compound heterozygote with LQTS, who also harbored an in-frame deletion of the KCNQ1 gene; This variant is considered to be rare based on population cohorts in the Genome Aggregation Database (gnomAD). Alternate amino acid substitutions, p.G568A and p.G568E, have also been reported in individuals with LQTS (Chen S et al. Clin. Genet., 2003 Apr;63:273-82; Izumi G et al. Pediatr Cardiol, 2016 Jun;37:962-70). Based on the supporting evidence, this alteration is interpreted as a disease-causing mutation.

Fulgent Genetics
Classification: Likely pathogenic for Beckwith-Wiedemann syndrome; Long QT syndrome 1; Jervell and Lange-Nielsen syndrome 1; Atrial fibrillation, familial, 3; Short QT syndrome type 2. Last evaluated: 2021-10-17. Review status: criteria provided, single submitter. Criteria: ACMG Guidelines, 2015. Collection method: clinical testing. Allele origin: unknown.

Women's Health and Genetics/Laboratory Corporation of America, LabCorp
Classification: Pathogenic for Long QT syndrome. Last evaluated: 2021-06-13. Review status: criteria provided, single submitter. Criteria: LabCorp Variant Classification Summary - May 2015. Collection method: clinical testing. Allele origin: germline.
Comment: Variant summary: KCNQ1 c.1702G>A (p.Gly568Arg) results in a non-conservative amino acid change located in the C-terminal domain (IPR013821) of the encoded protein sequence. Five of five in-silico tools predict a damaging effect of the variant on protein function. The variant was absent in 251094 control chromosomes. c.1702G>A has been reported in the literature in multiple individuals affected with Long QT Syndrome (example, Giudicessi_2013, Kapplinger_2009). In one of these reports this variant co-segregated with prolonged QTc interval in a family (Giudicessi_2013). These data indicate that the variant is very likely to be associated with disease. To our knowledge, no experimental evidence demonstrating an impact on protein function has been reported. Four clinical diagnostic laboratories have submitted clinical-significance assessments for this variant to ClinVar after 2014 without evidence for independent evaluation. All laboratories classified the variant as pathogenic (n=3)/likely pathogenic (n=1). Based on the evidence outlined above, the variant was classified as pathogenic.

Mayo Clinic Laboratories, Mayo Clinic
Classification: Likely pathogenic. Last evaluated: 2020-01-10. Review status: criteria provided, single submitter. Criteria: ACMG Guidelines, 2015. Collection method: clinical testing. Allele origin: germline. Observed: 1 variant allele.
Comment: PS4_Moderate, PM2, PM3, PP1, PP3

Clinical Molecular Genetics Laboratory, Johns Hopkins All Children's Hospital
Classification: Pathogenic. Last evaluated: 2016-02-29. Review status: no assertion criteria provided. Collection method: clinical testing. Allele origin: germline. Affected: yes. Not counted in ClinVar's aggregate classification.

Cardiovascular Biomedical Research Unit, Royal Brompton & Harefield NHS Foundation Trust
No classification provided. Condition: Familial long QT syndrome. Review status: no classification provided. Collection method: literature only. Allele origin: germline. Not counted in ClinVar's aggregate classification.
Comment: This variant has been reported as associated with Long QT syndrome in the following publications (PMID:15840476;PMID:19716085;PMID:19841300). This is a literature report, and does not necessarily reflect the clinical interpretation of the Imperial College / Royal Brompton Cardiovascular Genetics laboratory.

Literature cited by the submitters: PubMed 22456477 (cited by Labcorp Genetics (formerly Invitae), Labcorp and Mayo Clinic Laboratories, Mayo Clinic); PubMed 22949429 (cited by Labcorp Genetics (formerly Invitae), Labcorp and Mayo Clinic Laboratories, Mayo Clinic); PubMed 22956155 (cited by Labcorp Genetics (formerly Invitae), Labcorp and Mayo Clinic Laboratories, Mayo Clinic); PubMed 23392653 (cited by 3 submitters); PubMed 12702160 (cited by Labcorp Genetics (formerly Invitae), Labcorp); PubMed 27041150 (cited by Ambry Genetics); PubMed 19716085 (cited by 3 submitters); PubMed 15840476 (cited by Mayo Clinic Laboratories, Mayo Clinic and Cardiovascular Biomedical Research Unit, Royal Brompton & Harefield NHS Foundation Trust); PubMed 19841300 (cited by Mayo Clinic Laboratories, Mayo Clinic and Cardiovascular Biomedical Research Unit, Royal Brompton & Harefield NHS Foundation Trust); PubMed 21185501 (cited by Mayo Clinic Laboratories, Mayo Clinic); PubMed 22885918 (cited by Mayo Clinic Laboratories, Mayo Clinic); PubMed 25929701 (cited by Mayo Clinic Laboratories, Mayo Clinic); PubMed 25916402 (cited by Mayo Clinic Laboratories, Mayo Clinic); PubMed 22581653 (cited by Cardiovascular Biomedical Research Unit, Royal Brompton & Harefield NHS Foundation Trust).

NM_000218.3(KCNQ1):c.1702G>A (p.Gly568Arg)

Gene: KCNQ1 (potassium voltage-gated channel subfamily Q member 1; plus strand). Cytogenetic location: 11p15.5.
Variant type: single nucleotide variant.
Coding change: c.1702G>A on transcript NM_000218.3 (MANE Select); coding-DNA position 1702, G replaced by A.
Protein change: p.Gly568Arg; replaces glycine 568 with arginine.
Molecular consequence: missense variant.
Genome position (GRCh38, 1-based): chr11:2,777,002, G>A. VCF-style: chr11-2777002-G-A. GRCh37 (hg19) VCF-style: chr11-2798232-G-A.
Other names: c.1702G>A (LRG_287t1); c.1606G>A, p.Gly536Arg (NM_001406836.1); c.1432G>A, p.Gly478Arg (NM_001406837.1); c.1162G>A, p.Gly388Arg (NM_001406838.1); c.1321G>A, p.Gly441Arg (NM_181798.2); short protein forms G568R, G441R, G478R, G536R, G388R.
Identifiers: ClinVar variation 53009 (VCV000053009.25), dbSNP rs199472807, ClinGen allele CA006232.
Genomic context (GRCh38, chr11:2,777,002, plus strand): 5'-TGCCAGGGCCAGGTGTGAACTGGTGTCTGTGTCCTTCTCTCCAGGCTGGACCAGTCCATT[G>A]GGAAGCCCTCACTGTTCATCTCCGTCTCAGGTGGGTTTCTGTGTCAGTTACTCTGGGCCC-3'
Protein context (NP_000209.2, residues 558-578): ELQRRLDQSI[Gly568Arg]KPSLFISVSE